The following is an entry in ClinVar:

NM_001923.5(DDB1):c.1734C>A (p.His578Gln)

Gene: DDB1 (damage specific DNA binding protein 1; minus strand). Cytogenetic location: 11q12.2.
Variant type: single nucleotide variant.
Coding change: c.1734C>A on transcript NM_001923.5 (MANE Select); coding-DNA position 1734, C replaced by A.
Protein change: p.His578Gln; replaces histidine 578 with glutamine.
Molecular consequence: missense variant.
Genome position (GRCh38, 1-based): chr11:61,314,066, G>T on the plus strand (C>A on the coding strand, the complement: DDB1 is on the minus strand). VCF-style: chr11-61314066-G-T. GRCh37 (hg19) VCF-style: chr11-61081538-G-T.
Other names: short protein forms H578Q.
Identifiers: ClinVar variation 3360424 (VCV003360424.1).

ClinVar aggregate classification (germline): Uncertain significance (1 of 4 stars; one submission).

Submission:

GeneDx
Classification: Uncertain significance. Last evaluated: 2023-06-23. Review status: criteria provided, single submitter. Criteria: GeneDx Variant Classification Process June 2021. Collection method: clinical testing. Allele origin: germline. Affected: yes.
Comment: Not observed at significant frequency in large population cohorts (gnomAD); In silico analysis supports that this missense variant has a deleterious effect on protein structure/function; Has not been previously published as pathogenic or benign to our knowledge